The following is an entry in ClinVar:

ClinVar aggregate classification (germline): Conflicting classifications of pathogenicity. Review status: criteria provided, conflicting classifications (1 of 4 stars). 5 submissions from 5 submitters: Uncertain significance (4); Likely benign (1). Last evaluated 2026-06-10.

Conditions:
Autosomal recessive limb-girdle muscular dystrophy type 2J (LGMDR10). Also called: MUSCULAR DYSTROPHY, LIMB-GIRDLE, AUTOSOMAL RECESSIVE 10; Limb-girdle muscular dystrophy, type 2J. Identifiers: Orphanet 140922, MedGen C1837342, MONDO:0012127, OMIM 608807.
Dilated cardiomyopathy 1G (CMD1G). Identifiers: Orphanet 154, MedGen C1858763, MONDO:0011400, OMIM 604145.
TTN-related disorder. Also called: TTN-related condition; TTN-related disease; TTN-related disorders.

Allele frequency attached by ClinVar (database versions not stated): gnomAD exomes 0.00003; ExAC 0.00004; TOPMed 0.00011; ESP Exome Variant Server 0.00033.
gnomAD v4.1: 56 of 1,612,372 alleles (0.0035%); highest among the groups gnomAD compares: African/African-American, 0.02%; no homozygotes.

Submissions (5):

PreventionGenetics, part of Exact Sciences
Classification: Uncertain significance for TTN-related condition. Last evaluated: 2026-06-10. Review status: criteria provided, single submitter. Criteria: ACMG Guidelines, 2015. Collection method: clinical testing. Allele origin: germline.
Comment: The TTN c.81250A>G variant is predicted to result in the amino acid substitution p.Ile27084Val. To our knowledge, this variant has not been reported in the literature. This variant is reported in 0.032% of alleles in individuals of African descent in gnomAD. At this time, the clinical significance of this variant is uncertain due to the absence of conclusive functional and genetic evidence.

Women's Health and Genetics/Laboratory Corporation of America, LabCorp
Classification: Uncertain significance. Last evaluated: 2022-05-02. Review status: criteria provided, single submitter. Criteria: LabCorp Variant Classification Summary - May 2015. Collection method: clinical testing. Allele origin: germline.

GeneDx
Classification: Likely benign. Last evaluated: 2020-09-28. Review status: criteria provided, single submitter. Criteria: GeneDx Variant Classification Process June 2021. Collection method: clinical testing. Allele origin: germline. Affected: yes.

Eurofins Ntd Llc (ga)
Classification: Uncertain significance. Last evaluated: 2018-08-31. Review status: criteria provided, single submitter. Criteria: EGL ClinVar v180209 classification definitions. Collection method: clinical testing. Allele origin: germline. Observed: 1 variant allele, 1 heterozygote.

Labcorp Genetics (formerly Invitae), Labcorp
Classification: Uncertain significance for Dilated cardiomyopathy 1G; Autosomal recessive limb-girdle muscular dystrophy type 2J. Last evaluated: 2018-02-17. Review status: criteria provided, single submitter. Criteria: Invitae Variant Classification Sherloc (09022015). Collection method: clinical testing. Allele origin: germline.
Comment: This sequence change replaces isoleucine with valine at codon 27084 of the TTN protein (p.Ile27084Val). There is a small physicochemical difference between isoleucine and valine. This variant is present in population databases (rs371498697, ExAC 0.05%). This variant has not been reported in the literature in individuals with TTN-related disease. This variant identified in the TTN gene is located in the A band of the resulting protein (PMID: 25589632). It is unclear how this variant impacts the function of this protein. Algorithms developed to predict the effect of missense changes on protein structure and function are unavailable for the TTN gene. The valine amino acid residue is found in multiple mammalian species, suggesting that this missense change does not adversely affect protein function. This prediction has not been confirmed by published functional studies and its clinical significance is uncertain. Algorithms developed to predict the effect of sequence changes on RNA splicing suggest that this variant may create or strengthen a splice site, but this prediction has not been confirmed by published transcriptional studies. In summary, the available evidence is currently insufficient to determine the role of this variant in disease. Therefore, it has been classified as a Variant of Uncertain Significance.

Literature cited by the submitters: PubMed 25589632 (cited by Labcorp Genetics (formerly Invitae), Labcorp).

NM_001267550.2(TTN):c.81250A>G (p.Ile27084Val)

Genes: TTN (titin; minus strand), TTN-AS1 (TTN antisense RNA 1; plus strand). Cytogenetic location: 2q31.2.
Variant type: single nucleotide variant.
Coding change: c.81250A>G on transcript NM_001267550.2 (MANE Select); coding-DNA position 81250, A replaced by G.
Protein change: p.Ile27084Val; replaces isoleucine 27084 with valine.
Molecular consequence: missense variant.
Genome position (GRCh38, 1-based): chr2:178,564,882, T>C on the plus strand (A>G on the coding strand, the complement: TTN is on the minus strand). VCF-style: chr2-178564882-T-C. GRCh37 (hg19) VCF-style: chr2-179429609-T-C.
Other names: c.76327A>G, p.Ile25443Val (NM_001256850.1); c.54055A>G, p.Ile18019Val (NM_003319.4); c.73546A>G, p.Ile24516Val (NM_133378.4); c.54430A>G, p.Ile18144Val (NM_133432.3); c.54631A>G, p.Ile18211Val (NM_133437.4); short protein forms I27084V, I24516V, I18019V, I18144V, I25443V, I18211V.
Identifiers: ClinVar variation 569084 (VCV000569084.11), dbSNP rs371498697, ClinGen allele CA1989234.
Genomic context (GRCh38, chr2:178,564,882, plus strand): 5'-TTTTGGTGCCTCCATCATTCACTGGCTCATGCCATTGCACAAGCATCTGATCTTTTGAGA[T>C]TGATGTCACAAAAGGAGTTCCAGGTGGTCCAGGTTCTTTAAATGGATATTGTACAATAAC-3'
Protein context (NP_001254479.2, residues 27074-27094): GPPGTPFVTS[Ile27084Val]SKDQMLVQWH